The following is an entry in ClinVar:

ClinVar aggregate classification (germline): Uncertain significance (1 of 4 stars; one submission).

Conditions:
Mitochondrial DNA depletion syndrome 13. Also called: FBXL4-Related Encephalomyopathic Mitochondrial DNA Depletion Syndrome; Mitochondrial DNA depletion syndrome 13 (encephalomyopathic type). Identifiers: Orphanet 369897, MedGen C3809592, MONDO:0014198, OMIM 615471.

Allele frequency attached by ClinVar (database versions not stated): gnomAD exomes below 0.00001; ExAC 0.00001.
gnomAD v4.1: 1 of 1,614,148 alleles (0.000062%); highest among the groups gnomAD compares: South Asian, 0.0011%; no homozygotes.

Submission:

Wong Mito Lab, Molecular and Human Genetics, Baylor College of Medicine
Classification: Uncertain significance for Mitochondrial DNA depletion syndrome 13. Last evaluated: 2017-08-10. Review status: criteria provided, single submitter. Criteria: ACMG Guidelines, 2015. Collection method: reference population. Allele origin: germline.
Comment: The NM_012160.4:c.1617T>G (NP_036292.2:p.Phe539Leu) [GRCH38: NC_000006.12:g.98875500A>C] variant in FBXL4 gene is interpretated to be a Uncertain Significance - Insufficient Evidence based on ACMG guidelines (PMID: 25741868). This variant meets one or more of the following evidence codes reported in the ACMG-guideline. PM2:This variant is absent in key population databases. Based on this evidence code ClinGen Pathogenicity Calculator (PMID:28081714) suggested that the variant is Uncertain Significance - Insufficient Evidence.

NM_001278716.2(FBXL4):c.1617T>G (p.Phe539Leu)

Gene: FBXL4 (F-box and leucine rich repeat protein 4; minus strand). Cytogenetic location: 6q16.1.
Variant type: single nucleotide variant.
Coding change: c.1617T>G on transcript NM_001278716.2 (MANE Select); coding-DNA position 1617, T replaced by G.
Protein change: p.Phe539Leu; replaces phenylalanine 539 with leucine.
Molecular consequence: missense variant. On other transcripts: non-coding transcript variant (1).
Genome position (GRCh38, 1-based): chr6:98,875,500, A>C on the plus strand (T>G on the coding strand, the complement: FBXL4 is on the minus strand). VCF-style: chr6-98875500-A-C. GRCh37 (hg19) VCF-style: chr6-99323376-A-C.
Other names: c.1617T>G, p.Phe539Leu (NM_012160.5); short protein forms F539L.
Identifiers: ClinVar variation 437778 (VCV000437778.1), dbSNP rs747337638, ClinGen allele CA3933415.